The following is an entry in ClinVar:

NM_018993.4(RIN2):c.2350G>C (p.Val784Leu)

Gene: RIN2 (Ras and Rab interactor 2; plus strand). Cytogenetic location: 20p11.23.
Variant type: single nucleotide variant.
Coding change: c.2350G>C on transcript NM_018993.4 (MANE Select); coding-DNA position 2350, G replaced by C.
Protein change: p.Val784Leu; replaces valine 784 with leucine.
Molecular consequence: missense variant.
Genome position (GRCh38, 1-based): chr20:19,996,828, G>C. VCF-style: chr20-19996828-G-C. GRCh37 (hg19) VCF-style: chr20-19977472-G-C.
Other names: c.2497G>C, p.Val833Leu (NM_001242581.2); c.1732G>C, p.Val578Leu (NM_001378238.1); short protein forms V578L, V784L, V833L.
Identifiers: ClinVar variation 3252877 (VCV003252877.1), dbSNP rs752167802.

ClinVar aggregate classification (germline): Uncertain significance (1 of 4 stars; one submission).

Allele frequency attached by ClinVar (database versions not stated): TOPMed 0.00001; ExAC 0.00003.
gnomAD v4.1: 8 of 1,595,472 alleles (0.0005%); highest among the groups gnomAD compares: Admixed American, 0.0018%; no homozygotes.

Submission:

GeneDx
Classification: Uncertain significance. Last evaluated: 2023-11-29. Review status: criteria provided, single submitter. Criteria: GeneDx Variant Classification Process June 2021. Collection method: clinical testing. Allele origin: germline. Affected: yes.
Comment: Not observed at significant frequency in large population cohorts (gnomAD); In silico analysis supports that this missense variant does not alter protein structure/function; Has not been previously published as pathogenic or benign to our knowledge